The following is an entry in ClinVar:

NM_170784.3(MKKS):c.1606A>G (p.Asn536Asp)

Gene: MKKS (MKKS centrosomal shuttling protein; minus strand). Cytogenetic location: 20p12.2.
Variant type: single nucleotide variant.
Coding change: c.1606A>G on transcript NM_170784.3 (MANE Select); coding-DNA position 1606, A replaced by G.
Protein change: p.Asn536Asp; replaces asparagine 536 with aspartic acid.
Molecular consequence: missense variant. On other transcripts: non-coding transcript variant (1).
Genome position (GRCh38, 1-based): chr20:10,405,354, T>C on the plus strand (A>G on the coding strand, the complement: MKKS is on the minus strand). VCF-style: chr20-10405354-T-C. GRCh37 (hg19) VCF-style: chr20-10386002-T-C.
Other names: c.1606A>G, p.Asn536Asp (NM_018848.3); short protein forms N536D.
Identifiers: ClinVar variation 1513869 (VCV001513869.3), dbSNP rs1309710762, ClinGen allele CA408230528.

ClinVar aggregate classification (germline): Uncertain significance (1 of 4 stars; one submission).

Conditions:
Bardet-Biedl syndrome (BBS). Identifiers: Orphanet 110, MedGen C0752166, MONDO:0015229.
McKusick-Kaufman syndrome (MKKS). Also called: HYDROMETROCOLPOS SYNDROME; HYDROMETROCOLPOS, POSTAXIAL POLYDACTYLY, AND CONGENITAL HEART MALFORMATION. Identifiers: Orphanet 2473, MedGen C0948368, MONDO:0009367, OMIM 236700.

Allele frequency attached by ClinVar (database versions not stated): gnomAD exomes 0.00001.
gnomAD v4.1: 2 of 1,614,238 alleles (0.00012%); highest among the groups gnomAD compares: Non-Finnish European, 0.000085%; no homozygotes.

Submission:

Labcorp Genetics (formerly Invitae), Labcorp
Classification: Uncertain significance for McKusick-Kaufman syndrome; Bardet-Biedl syndrome. Last evaluated: 2021-08-19. Review status: criteria provided, single submitter. Criteria: Invitae Variant Classification Sherloc (09022015). Collection method: clinical testing. Allele origin: germline.
Comment: This sequence change replaces asparagine with aspartic acid at codon 536 of the MKKS protein (p.Asn536Asp). The asparagine residue is moderately conserved and there is a small physicochemical difference between asparagine and aspartic acid. This variant is not present in population databases (ExAC no frequency). This variant has not been reported in the literature in individuals affected with MKKS-related conditions. Algorithms developed to predict the effect of missense changes on protein structure and function output the following: SIFT: "Tolerated"; PolyPhen-2: "Benign"; Align-GVGD: "Class C0". The aspartic acid amino acid residue is found in multiple mammalian species, which suggests that this missense change does not adversely affect protein function. In summary, the available evidence is currently insufficient to determine the role of this variant in disease. Therefore, it has been classified as a Variant of Uncertain Significance.